The following is an entry in ClinVar:

ClinVar aggregate classification (germline): Uncertain significance (1 of 4 stars; one submission).

gnomAD v4.1: 1 of 1,599,162 alleles (0.000063%); highest among the groups gnomAD compares: Non-Finnish European, 0.000085%; no homozygotes.

Submission:

Labcorp Genetics (formerly Invitae), Labcorp
Classification: Uncertain significance. Last evaluated: 2025-03-17. Review status: criteria provided, single submitter. Criteria: Invitae Variant Classification Sherloc (09022015). Collection method: clinical testing. Allele origin: germline.
Comment: This sequence change replaces glycine, which is neutral and non-polar, with arginine, which is basic and polar, at codon 588 of the DVL1 protein (p.Gly588Arg). This variant is not present in population databases (gnomAD no frequency). This variant has not been reported in the literature in individuals affected with DVL1-related conditions. Invitae Evidence Modeling of protein sequence and biophysical properties (such as structural, functional, and spatial information, amino acid conservation, physicochemical variation, residue mobility, and thermodynamic stability) indicates that this missense variant is not expected to disrupt DVL1 protein function with a negative predictive value of 80%. Algorithms developed to predict the effect of sequence changes on RNA splicing suggest that this variant may create or strengthen a splice site. In summary, the available evidence is currently insufficient to determine the role of this variant in disease. Therefore, it has been classified as a Variant of Uncertain Significance.

NM_001330311.2(DVL1):c.1837G>A (p.Gly613Arg)

Gene: DVL1 (dishevelled segment polarity protein 1; minus strand). Cytogenetic location: 1p36.33.
Variant type: single nucleotide variant.
Coding change: c.1837G>A on transcript NM_001330311.2 (MANE Select); coding-DNA position 1837, G replaced by A.
Protein change: p.Gly613Arg; replaces glycine 613 with arginine.
Molecular consequence: missense variant.
Genome position (GRCh38, 1-based): chr1:1,336,393, C>T on the plus strand (G>A on the coding strand, the complement: DVL1 is on the minus strand). VCF-style: chr1-1336393-C-T. GRCh37 (hg19) VCF-style: chr1-1271773-C-T.
Other names: c.1762G>A, p.Gly588Arg (NM_004421.3); short protein forms G588R, G613R.
Identifiers: ClinVar variation 3624093 (VCV003624093.2).
Genomic context (GRCh38, chr1:1,336,393, plus strand): 5'-GACTGCGTGGGCTGCTGCCACGGCTGAGCTGGCCGGCCGGACGCTCTCGCCAGCTGCTCC[C>T]CACCCCACTCGGTGCCGTGTGATCCGATTCACTGCCACTGCCCCCAGCTCCCGCCGCCCG-3'
Protein context (NP_001317240.1, residues 603-623): ESDHTAPSGV[Gly613Arg]SSWRERPAGQ